The following is an entry in ClinVar:

ClinVar aggregate classification (germline): Benign. Review status: criteria provided, multiple submitters, no conflicts (2 of 4 stars). 2 submissions from 2 submitters: Benign (2). Last evaluated 2026-02-03.

Conditions:
Hyperekplexia 2 (HKPX2). Identifiers: Orphanet 3197, MedGen C3553291, MONDO:0013828, OMIM 614619.

Allele frequency attached by ClinVar (database versions not stated): gnomAD exomes 0.00109 and 0.00290; ExAC 0.00368; gnomAD 0.01150 and 0.01234; ESP Exome Variant Server 0.01194; TOPMed 0.01272; 1000 Genomes Project 0.01438; 1000 Genomes Project 30x 0.01546.
gnomAD v4.1: 3,073 of 1,333,154 alleles (0.23%); highest among the groups gnomAD compares: African/African-American, 3.8%; 55 homozygotes.

Submissions (2):

Labcorp Genetics (formerly Invitae), Labcorp
Classification: Benign for Hyperekplexia 2. Last evaluated: 2026-02-03. Review status: criteria provided, single submitter. Criteria: Invitae Variant Classification Sherloc (09022015). Collection method: clinical testing. Allele origin: germline.

Illumina Laboratory Services, Illumina
Classification: Benign for Hyperekplexia 2. Last evaluated: 2018-01-12. Review status: criteria provided, single submitter. Criteria: ICSL Variant Classification Criteria 13 December 2019. Collection method: clinical testing. Allele origin: germline.
Comment: This variant was observed in the ICSL laboratory as part of a predisposition screen in an ostensibly healthy population. It had not been previously curated by ICSL or reported in the Human Gene Mutation Database (HGMD: prior to June 1st, 2018), and was therefore a candidate for classification through an automated scoring system. Utilizing variant allele frequency, disease prevalence and penetrance estimates, and inheritance mode, an automated score was calculated to assess if this variant is too frequent to cause the disease. Based on the score and internal cut-off values, a variant classified as benign is not then subjected to further curation. The score for this variant resulted in a classification of benign for this disease.

NM_000824.5(GLRB):c.611-14G>A

Gene: GLRB (glycine receptor beta; plus strand). Cytogenetic location: 4q32.1.
Variant type: single nucleotide variant.
Coding change: c.611-14G>A on transcript NM_000824.5 (MANE Select); 14 bases into the intron before coding-DNA position 611, G replaced by A.
Molecular consequence: intron variant.
Genome position (GRCh38, 1-based): chr4:157,138,795, G>A. VCF-style: chr4-157138795-G-A. GRCh37 (hg19) VCF-style: chr4-158059947-G-A.
Other names: c.611-14G>A (NM_001166061.2, NM_001166060.2).
Identifiers: ClinVar variation 347919 (VCV000347919.12), dbSNP rs11936411, ClinGen allele CA3119824.